The following is an entry in ClinVar:

ClinVar aggregate classification (germline): Uncertain significance. Review status: criteria provided, single submitter (1 of 4 stars). 2 submissions from 2 submitters: Uncertain significance (1). 1 of the submissions does not count toward it. Last evaluated 2022-06-13.

Conditions:
INPP5E-related disorder. Also called: INPP5E-related condition.
Joubert syndrome. Also called: CEREBELLOPARENCHYMAL DISORDER IV; JOUBERT-BOLTSHAUSER SYNDROME; Familial aplasia of the vermis. Identifiers: Orphanet 475, MedGen C5979921, MONDO:0018772.

gnomAD v4.1: 12 of 1,610,246 alleles (0.00075%); highest among the groups gnomAD compares: East Asian, 0.018%; no homozygotes.

Submissions (2):

Labcorp Genetics (formerly Invitae), Labcorp
Classification: Uncertain significance for Joubert syndrome. Last evaluated: 2022-06-13. Review status: criteria provided, single submitter. Criteria: Invitae Variant Classification Sherloc (09022015). Collection method: clinical testing. Allele origin: germline.
Comment: In summary, the available evidence is currently insufficient to determine the role of this variant in disease. Therefore, it has been classified as a Variant of Uncertain Significance. Advanced modeling of protein sequence and biophysical properties (such as structural, functional, and spatial information, amino acid conservation, physicochemical variation, residue mobility, and thermodynamic stability) performed at Invitae indicates that this missense variant is not expected to disrupt INPP5E protein function. This variant has not been reported in the literature in individuals affected with INPP5E-related conditions. This variant is present in population databases (rs370876407, gnomAD 0.05%). This sequence change replaces valine, which is neutral and non-polar, with leucine, which is neutral and non-polar, at codon 501 of the INPP5E protein (p.Val501Leu).

PreventionGenetics, part of Exact Sciences
Classification: Uncertain significance for INPP5E-related condition. Last evaluated: 2024-09-25. Review status: no assertion criteria provided. Collection method: clinical testing. Allele origin: germline. Not counted in ClinVar's aggregate classification.
Comment: The INPP5E c.1501G>C variant is predicted to result in the amino acid substitution p.Val501Leu. To our knowledge, this variant has not been reported in the literature. This variant is reported in 0.056% of alleles in individuals of East Asian descent in gnomAD. At this time, the clinical significance of this variant is uncertain due to the absence of conclusive functional and genetic evidence.

NM_019892.6(INPP5E):c.1501G>C (p.Val501Leu)

Gene: INPP5E (inositol polyphosphate-5-phosphatase E; minus strand). Cytogenetic location: 9q34.3.
Variant type: single nucleotide variant.
Coding change: c.1501G>C on transcript NM_019892.6 (MANE Select); coding-DNA position 1501, G replaced by C.
Protein change: p.Val501Leu; replaces valine 501 with leucine.
Molecular consequence: missense variant.
Genome position (GRCh38, 1-based): chr9:136,431,872, C>G on the plus strand (G>C on the coding strand, the complement: INPP5E is on the minus strand). VCF-style: chr9-136431872-C-G. GRCh37 (hg19) VCF-style: chr9-139326324-C-G.
Other names: c.1498G>C, p.Val500Leu (NM_001318502.2); c.1501G>C (NM_019892.5); short protein forms V500L, V501L.
Identifiers: ClinVar variation 1393141 (VCV001393141.9), dbSNP rs370876407, ClinGen allele CA5336771.